The following is an entry in ClinVar:

NM_000092.5(COL4A4):c.4762T>A (p.Cys1588Ser)

Gene: COL4A4 (collagen type IV alpha 4 chain; minus strand). Cytogenetic location: 2q36.3.
Variant type: single nucleotide variant.
Coding change: c.4762T>A on transcript NM_000092.5 (MANE Select); coding-DNA position 4762, T replaced by A.
Protein change: p.Cys1588Ser; replaces cysteine 1588 with serine.
Molecular consequence: missense variant.
Genome position (GRCh38, 1-based): chr2:227,008,065, A>T on the plus strand (T>A on the coding strand, the complement: COL4A4 is on the minus strand). VCF-style: chr2-227008065-A-T. GRCh37 (hg19) VCF-style: chr2-227872781-A-T.
Other names: short protein forms C1588S.
Identifiers: ClinVar variation 2605367 (VCV002605367.3), dbSNP rs2472603497, ClinGen allele CA351140539.

ClinVar aggregate classification (germline): Likely pathogenic. Review status: criteria provided, multiple submitters, no conflicts (2 of 4 stars). 2 submissions from 2 submitters: Likely pathogenic (2). Last evaluated 2024-02-15.

Conditions:
Inborn genetic diseases. Identifiers: MedGen C0950123, MeSH D030342.
Autosomal recessive Alport syndrome (ATS2). Also called: ALPORT SYNDROME 2, AUTOSOMAL RECESSIVE; COL4A3-Related Nephropathy; Alport syndrome type 2; COL4A4 Alport Syndrome and Thin Basement Membrane Nephropathy. Identifiers: Orphanet 63, Orphanet 88919, MedGen C4746745, MONDO:0008762, OMIM 203780.
Hematuria, benign familial, 1 (BFH1). Also called: THIN MEMBRANE NEPHROPATHY. Identifiers: MedGen CN376803, MONDO:0007709, OMIM 141200.

Submissions (2):

Ambry Genetics
Classification: Likely pathogenic for Inborn genetic diseases. Last evaluated: 2024-02-15. Review status: criteria provided, single submitter. Criteria: Ambry Variant Classification Scheme 2023. Collection method: clinical testing. Allele origin: germline.
Comment: The c.4762T>A (p.C1588S) alteration is located in exon 47 (coding exon 46) of the COL4A4 gene. This alteration results from a T to A substitution at nucleotide position 4762, causing the cysteine (C) at amino acid position 1588 to be replaced by a serine (S). This variant was not reported in population-based cohorts in the Genome Aggregation Database (gnomAD). Another alteration at the same codon, c.4763G>A (p.C1588Y), has been described in an individual with Alport syndrome (external communication). This amino acid position is highly conserved in available vertebrate species. Based on internal structural analysis, this variant disrupts a disulfide bond between residues C1588 and C1686 (Kerem, 1991; Sundaramoorthy, 2002; Vanacore, 2004; Casino, 2018). This alteration is predicted to be deleterious by in silico analysis. Based on the available evidence, this alteration is classified as likely pathogenic.

Fulgent Genetics
Classification: Likely pathogenic for Hematuria, benign familial, 1; Autosomal recessive Alport syndrome. Last evaluated: 2024-02-02. Review status: criteria provided, single submitter. Criteria: ACMG Guidelines, 2015. Collection method: clinical testing. Allele origin: germline.

Literature cited by the submitters: PubMed 2011424 (cited by Ambry Genetics); PubMed 11970952 (cited by Ambry Genetics); PubMed 15299013 (cited by Ambry Genetics); PubMed 30443360 (cited by Ambry Genetics).